The following is an entry in ClinVar:

NM_003072.5(SMARCA4):c.2024A>T (p.Gln675Leu)

Gene: SMARCA4 (SWI/SNF related BAF chromatin remodeling complex subunit ATPase 4; plus strand). Cytogenetic location: 19p13.2.
Variant type: single nucleotide variant.
Coding change: c.2024A>T on transcript NM_003072.5 (MANE Select); coding-DNA position 2024, A replaced by T.
Protein change: p.Gln675Leu; replaces glutamine 675 with leucine.
Molecular consequence: missense variant. On other transcripts: non-coding transcript variant (1).
Genome position (GRCh38, 1-based): chr19:11,007,924, A>T. VCF-style: chr19-11007924-A-T. GRCh37 (hg19) VCF-style: chr19-11118600-A-T.
Other names: c.2024A>T, p.Gln675Leu (NM_001128844.3, NM_001128845.2, NM_001128846.2 and 4 more transcripts); short protein forms Q675L.
Identifiers: ClinVar variation 1019786 (VCV001019786.9), dbSNP rs1299276425, ClinGen allele CA404052414.

ClinVar aggregate classification (germline): Uncertain significance (1 of 4 stars; one submission).

Conditions:
Rhabdoid tumor predisposition syndrome 2 (RTPS2). Identifiers: Orphanet 231108, Orphanet 69077, MedGen C2750074, MONDO:0013224, OMIM 613325.

Allele frequency attached by ClinVar (database versions not stated): TOPMed 0.00001.

Submission:

Labcorp Genetics (formerly Invitae), Labcorp
Classification: Uncertain significance for Rhabdoid tumor predisposition syndrome 2. Last evaluated: 2020-01-19. Review status: criteria provided, single submitter. Criteria: Invitae Variant Classification Sherloc (09022015). Collection method: clinical testing. Allele origin: germline.
Comment: Algorithms developed to predict the effect of missense changes on protein structure and function are either unavailable or do not agree on the potential impact of this missense change (SIFT: "Deleterious"; PolyPhen-2: "Benign"; Align-GVGD: "Class C65"). In summary, the available evidence is currently insufficient to determine the role of this variant in disease. Therefore, it has been classified as a Variant of Uncertain Significance. This sequence change replaces glutamine with leucine at codon 675 of the SMARCA4 protein (p.Gln675Leu). The glutamine residue is highly conserved and there is a moderate physicochemical difference between glutamine and leucine. This variant is not present in population databases (ExAC no frequency). This variant has not been reported in the literature in individuals with SMARCA4-related conditions.